The following is an entry in ClinVar:

NM_018010.4(IFT57):c.1274C>T (p.Ala425Val)

Gene: IFT57 (intraflagellar transport 57; minus strand). Cytogenetic location: 3q13.12.
Variant type: single nucleotide variant.
Coding change: c.1274C>T on transcript NM_018010.4 (MANE Select); coding-DNA position 1274, C replaced by T.
Protein change: p.Ala425Val; replaces alanine 425 with valine.
Molecular consequence: missense variant.
Genome position (GRCh38, 1-based): chr3:108,162,493, G>A on the plus strand (C>T on the coding strand, the complement: IFT57 is on the minus strand). VCF-style: chr3-108162493-G-A. GRCh37 (hg19) VCF-style: chr3-107881340-G-A.
Other names: short protein forms A425V.
Identifiers: ClinVar variation 1902973 (VCV001902973.5), dbSNP rs2472451554, ClinGen allele CA353912748.

ClinVar aggregate classification (germline): Uncertain significance (1 of 4 stars; one submission).

Allele frequency attached by ClinVar (database versions not stated): gnomAD exomes below 0.00001.

Submission:

Labcorp Genetics (formerly Invitae), Labcorp
Classification: Uncertain significance. Last evaluated: 2022-04-06. Review status: criteria provided, single submitter. Criteria: Invitae Variant Classification Sherloc (09022015). Collection method: clinical testing. Allele origin: germline.
Comment: In summary, the available evidence is currently insufficient to determine the role of this variant in disease. Therefore, it has been classified as a Variant of Uncertain Significance. Algorithms developed to predict the effect of missense changes on protein structure and function (SIFT, PolyPhen-2, Align-GVGD) all suggest that this variant is likely to be tolerated. This variant has not been reported in the literature in individuals affected with IFT57-related conditions. This variant is not present in population databases (gnomAD no frequency). This sequence change replaces alanine, which is neutral and non-polar, with valine, which is neutral and non-polar, at codon 425 of the IFT57 protein (p.Ala425Val).